The following is an entry in ClinVar:

NM_001378964.1(CDON):c.3125T>G (p.Leu1042Arg)

Gene: CDON (cell adhesion associated, oncogene regulated; minus strand). Cytogenetic location: 11q24.2.
Variant type: single nucleotide variant.
Coding change: c.3125T>G on transcript NM_001378964.1 (MANE Select); coding-DNA position 3125, T replaced by G.
Protein change: p.Leu1042Arg; replaces leucine 1042 with arginine.
Molecular consequence: missense variant.
Genome position (GRCh38, 1-based): chr11:125,981,200, A>C on the plus strand (T>G on the coding strand, the complement: CDON is on the minus strand). VCF-style: chr11-125981200-A-C. GRCh37 (hg19) VCF-style: chr11-125851095-A-C.
Other names: c.3125T>G, p.Leu1042Arg (NM_001243597.3, NM_016952.6); short protein forms L1042R.
Identifiers: ClinVar variation 1696995 (VCV001696995.2), dbSNP rs2134443104, ClinGen allele CA383199840.
Genomic context (GRCh38, chr11:125,981,200, plus strand): 5'-TTCACAATTCCATTGACTGCATTGGGGACCTTATGGTGAAGGTGGGAATAGCCACTGCTG[A>C]GACCGCCATTGGTTAGGAAGCCTCCGTGAACATTTCCATTTATCTGACTTGCTCCTGAGA-3'
Protein context (NP_001365893.1, residues 1032-1052): VHGGFLTNGG[Leu1042Arg]SSGYSHLHHK

ClinVar aggregate classification (germline): Uncertain significance (1 of 4 stars; one submission).

Submission:

GeneDx
Classification: Uncertain significance. Last evaluated: 2022-01-12. Review status: criteria provided, single submitter. Criteria: GeneDx Variant Classification Process June 2021. Collection method: clinical testing. Allele origin: germline. Affected: yes.
Comment: Not observed at significant frequency in large population cohorts (gnomAD); In silico analysis supports that this missense variant does not alter protein structure/function; Has not been previously published as pathogenic or benign to our knowledge